The following is an entry in ClinVar:

NM_001958.5(EEF1A2):c.782C>T (p.Thr261Met)

Gene: EEF1A2 (eukaryotic translation elongation factor 1 alpha 2; minus strand). Cytogenetic location: 20q13.33.
Variant type: single nucleotide variant.
Coding change: c.782C>T on transcript NM_001958.5 (MANE Select); coding-DNA position 782, C replaced by T.
Protein change: p.Thr261Met; replaces threonine 261 with methionine.
Molecular consequence: missense variant.
Genome position (GRCh38, 1-based): chr20:63,490,726, G>A on the plus strand (C>T on the coding strand, the complement: EEF1A2 is on the minus strand). VCF-style: chr20-63490726-G-A. GRCh37 (hg19) VCF-style: chr20-62122079-G-A.
Other names: short protein forms T261M.
Identifiers: ClinVar variation 452319 (VCV000452319.11), dbSNP rs1555883506, ClinGen allele CA409648095.
Genomic context (GRCh38, chr20:63,490,726, plus strand): 5'-GCAAAGGTCACCACCATGCCCGGCCGCAGGATGCCGGTCTCCACCCGGCCCACGGGCACC[G>A]TGCCAATGCCTGCAGAGGGGAGGGGGTGTGAGGGGAAGGTGGGGCCCGAGGGGATGCTGG-3'
Protein context (NP_001949.1, residues 251-271): QDVYKIGGIG[Thr261Met]VPVGRVETGI

ClinVar aggregate classification (germline): Uncertain significance. Review status: criteria provided, multiple submitters, no conflicts (2 of 4 stars). 2 submissions from 2 submitters: Uncertain significance (2). Last evaluated 2018-12-28.

Conditions:
Developmental and epileptic encephalopathy, 33 (DEE33). Also called: Epileptic encephalopathy, early infantile, 33. Identifiers: Orphanet 442835, MedGen C4225337, MONDO:0014625, OMIM 616409.

Allele frequency attached by ClinVar (database versions not stated): gnomAD exomes below 0.00001.

Submissions (2):

Labcorp Genetics (formerly Invitae), Labcorp
Classification: Uncertain significance for Developmental and epileptic encephalopathy, 33. Last evaluated: 2018-12-28. Review status: criteria provided, single submitter. Criteria: Invitae Variant Classification Sherloc (09022015). Collection method: clinical testing. Allele origin: germline.
Comment: This sequence change replaces threonine with methionine at codon 261 of the EEF1A2 protein (p.Thr261Met). The threonine residue is highly conserved and there is a moderate physicochemical difference between threonine and methionine. This variant is not present in population databases (ExAC no frequency). This variant has not been reported in the literature in individuals with EEF1A2-related disease. ClinVar contains an entry for this variant (Variation ID: 452319). Algorithms developed to predict the effect of missense changes on protein structure and function (SIFT, PolyPhen-2, Align-GVGD) all suggest that this variant is likely to be disruptive, but these predictions have not been confirmed by published functional studies and their clinical significance is uncertain. In summary, the available evidence is currently insufficient to determine the role of this variant in disease. Therefore, it has been classified as a Variant of Uncertain Significance.

GeneDx
Classification: Uncertain significance. Last evaluated: 2017-09-22. Review status: criteria provided, single submitter. Criteria: GeneDx Variant Classification (06012015). Collection method: clinical testing. Allele origin: germline. Affected: yes.
Comment: A variant of uncertain significance has been identified in the EEF1A2 gene. The T261M variant has not been published as a pathogenic variant, nor has it been reported as a benign variant to our knowledge. This variant is not observed in large population cohorts (Lek et al., 2016). The T261M variant is a non-conservative amino acid substitution, which is likely to impact secondary proteinstructure as these residues differ in polarity, charge, size and/or other properties. Additionally, thissubstitution occurs at a position that is conserved across species, and in silico analysis predicts thisvariant is probably damaging to the protein structure/function. Based on the currently availableinformation, it is unclear whether this variant is a pathogenic variant or a rare benign variant.